The following is an entry in ClinVar:

ClinVar aggregate classification (germline): Uncertain significance (1 of 4 stars; one submission).

Conditions:
Trichorhinophalangeal dysplasia type I (TRPS1). Also called: TRICHORHINOPHALANGEAL SYNDROME, TYPE I; TRPS I. Identifiers: Orphanet 77258, MedGen C0432233, MONDO:0008596, OMIM 190350.
Trichorhinophalangeal syndrome, type III (TRPS3). Also called: SUGIO-KAJII SYNDROME. Identifiers: Orphanet 77258, MedGen C1860823, OMIM 190351, MONDO:0008597.

gnomAD v4.1: 10 of 1,614,042 alleles (0.00062%); highest among the groups gnomAD compares: Non-Finnish European, 0.00085%; no homozygotes.

Submission:

Labcorp Genetics (formerly Invitae), Labcorp
Classification: Uncertain significance for Trichorhinophalangeal syndrome, type III; Trichorhinophalangeal dysplasia type I. Last evaluated: 2025-04-10. Review status: criteria provided, single submitter. Criteria: Invitae Variant Classification Sherloc (09022015). Collection method: clinical testing. Allele origin: germline.
Comment: This sequence change replaces arginine, which is basic and polar, with tryptophan, which is neutral and slightly polar, at codon 814 of the TRPS1 protein (p.Arg814Trp). This variant is present in population databases (no rsID available, gnomAD 0.007%). This variant has not been reported in the literature in individuals affected with TRPS1-related conditions. Invitae Evidence Modeling of protein sequence and biophysical properties (such as structural, functional, and spatial information, amino acid conservation, physicochemical variation, residue mobility, and thermodynamic stability) indicates that this missense variant is not expected to disrupt TRPS1 protein function with a negative predictive value of 80%. In summary, the available evidence is currently insufficient to determine the role of this variant in disease. Therefore, it has been classified as a Variant of Uncertain Significance.

NM_014112.5(TRPS1):c.2440C>T (p.Arg814Trp)

Gene: TRPS1 (transcriptional repressor GATA binding 1; minus strand). Cytogenetic location: 8q23.3.
Variant type: single nucleotide variant.
Coding change: c.2440C>T on transcript NM_014112.5 (MANE Select); coding-DNA position 2440, C replaced by T.
Protein change: p.Arg814Trp; replaces arginine 814 with tryptophan.
Molecular consequence: missense variant.
Genome position (GRCh38, 1-based): chr8:115,587,261, G>A on the plus strand (C>T on the coding strand, the complement: TRPS1 is on the minus strand). VCF-style: chr8-115587261-G-A. GRCh37 (hg19) VCF-style: chr8-116599488-G-A.
Other names: c.2413C>T, p.Arg805Trp (NM_001282902.3); c.2419C>T, p.Arg807Trp (NM_001282903.3); c.2401C>T, p.Arg801Trp (NM_001330599.2); short protein forms R801W, R805W, R814W, R807W.
Identifiers: ClinVar variation 4791416 (VCV004791416.1).
Genomic context (GRCh38, chr8:115,587,261, plus strand): 5'-GGGTGCCAGACACAGGCGTCAGCAGCCCCAGGCTTGCTTGGGTGTATGACGGACTCCCCC[G>A]CAGGATGTCTGCCCCTCTCCAAGTCACATTGCGAAGGTCATCACTGGAACTCTCGGTCCA-3'
Protein context (NP_054831.2, residues 804-824): NVTWRGADIL[Arg814Trp]GSPSYTQASL